The following is an entry in ClinVar:

NM_005529.7(HSPG2):c.11887G>C (p.Asp3963His)

Gene: HSPG2 (heparan sulfate proteoglycan 2; minus strand). Cytogenetic location: 1p36.12.
Variant type: single nucleotide variant.
Coding change: c.11887G>C on transcript NM_005529.7 (MANE Select); coding-DNA position 11887, G replaced by C.
Protein change: p.Asp3963His; replaces aspartic acid 3963 with histidine.
Molecular consequence: missense variant.
Genome position (GRCh38, 1-based): chr1:21,829,488, C>G on the plus strand (G>C on the coding strand, the complement: HSPG2 is on the minus strand). VCF-style: chr1-21829488-C-G. GRCh37 (hg19) VCF-style: chr1-22155981-C-G.
Other names: c.11890G>C, p.Asp3964His (NM_001291860.2); short protein forms D3963H, D3964H.
Identifiers: ClinVar variation 1047200 (VCV001047200.8), dbSNP rs2097992400, ClinGen allele CA338902000.

ClinVar aggregate classification (germline): Uncertain significance (1 of 4 stars; one submission).

Submission:

Labcorp Genetics (formerly Invitae), Labcorp
Classification: Uncertain significance. Last evaluated: 2022-07-11. Review status: criteria provided, single submitter. Criteria: Invitae Variant Classification Sherloc (09022015). Collection method: clinical testing. Allele origin: germline.
Comment: This sequence change replaces aspartic acid, which is acidic and polar, with histidine, which is basic and polar, at codon 3963 of the HSPG2 protein (p.Asp3963His). In summary, the available evidence is currently insufficient to determine the role of this variant in disease. Therefore, it has been classified as a Variant of Uncertain Significance. Algorithms developed to predict the effect of missense changes on protein structure and function are either unavailable or do not agree on the potential impact of this missense change (SIFT: "Deleterious"; PolyPhen-2: "Possibly Damaging"; Align-GVGD: "Class C0"). ClinVar contains an entry for this variant (Variation ID: 1047200). This variant has not been reported in the literature in individuals affected with HSPG2-related conditions. This variant is not present in population databases (gnomAD no frequency).